The following is an entry in ClinVar:

ClinVar aggregate classification (germline): Benign/Likely benign. Review status: criteria provided, multiple submitters, no conflicts (2 of 4 stars). 7 submissions from 7 submitters: Benign (4); Likely benign (3). Last evaluated 2026-01-28.

Conditions:
Kufor-Rakeb syndrome (KRS). Also called: PARKINSON DISEASE 9, AUTOSOMAL RECESSIVE, JUVENILE-ONSET. Identifiers: Orphanet 306674, Orphanet 314632, MedGen C1847640, MONDO:0011706, OMIM 606693.
Autosomal recessive spastic paraplegia type 78. Identifiers: Orphanet 513436, MedGen C5567893, MONDO:0014975, OMIM 617225.
Inborn genetic diseases. Identifiers: MedGen C0950123, MeSH D030342.

Allele frequency attached by ClinVar (database versions not stated): gnomAD exomes 0.00041 and 0.00126; ExAC 0.00163; gnomAD 0.00460 and 0.00485; TOPMed 0.00499; 1000 Genomes Project 0.00599; ESP Exome Variant Server 0.00669; 1000 Genomes Project 30x 0.00718.
gnomAD v4.1: 1,328 of 1,613,402 alleles (0.082%); highest among the groups gnomAD compares: African/African-American, 1.6%; 6 homozygotes.

Submissions (7):

Labcorp Genetics (formerly Invitae), Labcorp
Classification: Benign for Kufor-Rakeb syndrome; Autosomal recessive spastic paraplegia type 78. Last evaluated: 2026-01-28. Review status: criteria provided, single submitter. Criteria: Invitae Variant Classification Sherloc (09022015). Collection method: clinical testing. Allele origin: germline.

Blueprint Genetics
Classification: Likely benign. Last evaluated: 2024-07-04. Review status: criteria provided, single submitter. Criteria: ACMG Guidelines, 2015. Collection method: clinical testing. Allele origin: germline.

GeneDx
Classification: Likely benign. Last evaluated: 2019-05-10. Review status: criteria provided, single submitter. Criteria: GeneDx Variant Classification Process June 2021. Collection method: clinical testing. Allele origin: germline. Affected: yes.

Athena Diagnostics
Classification: Benign. Last evaluated: 2018-03-08. Review status: criteria provided, single submitter. Criteria: Athena Diagnostics Criteria. Collection method: clinical testing. Allele origin: germline.

Illumina Laboratory Services, Illumina
Classification: Benign for Kufor-Rakeb syndrome. Last evaluated: 2018-01-13. Review status: criteria provided, single submitter. Criteria: ICSL Variant Classification Criteria 13 December 2019. Collection method: clinical testing. Allele origin: germline.
Comment: This variant was observed in the ICSL laboratory as part of a predisposition screen in an ostensibly healthy population. It had not been previously curated by ICSL or reported in the Human Gene Mutation Database (HGMD: prior to June 1st, 2018), and was therefore a candidate for classification through an automated scoring system. Utilizing variant allele frequency, disease prevalence and penetrance estimates, and inheritance mode, an automated score was calculated to assess if this variant is too frequent to cause the disease. Based on the score and internal cut-off values, a variant classified as benign is not then subjected to further curation. The score for this variant resulted in a classification of benign for this disease.

Ambry Genetics
Classification: Benign for Inborn genetic diseases. Last evaluated: 2016-01-08. Review status: criteria provided, single submitter. Criteria: Ambry Variant Classification Scheme 2023. Collection method: clinical testing. Allele origin: germline.

Breakthrough Genomics
Classification: Likely benign. Review status: criteria provided, single submitter. Criteria: ACMG Guidelines, 2015. Collection method: not provided. Allele origin: germline. Inheritance: Autosomal recessive inheritance. Affected: yes.

NM_022089.4(ATP13A2):c.2093T>C (p.Val698Ala)

Gene: ATP13A2 (ATPase cation transporting 13A2; minus strand). Cytogenetic location: 1p36.13.
Variant type: single nucleotide variant.
Coding change: c.2093T>C on transcript NM_022089.4 (MANE Select); coding-DNA position 2093, T replaced by C.
Protein change: p.Val698Ala; replaces valine 698 with alanine.
Molecular consequence: missense variant.
Genome position (GRCh38, 1-based): chr1:16,992,042, A>G on the plus strand (T>C on the coding strand, the complement: ATP13A2 is on the minus strand). VCF-style: chr1-16992042-A-G. GRCh37 (hg19) VCF-style: chr1-17318537-A-G.
Other names: c.2078T>C, p.Val693Ala (NM_001141973.3, NM_001141974.3); short protein forms V698A, V693A.
Identifiers: ClinVar variation 533810 (VCV000533810.60), dbSNP rs61734958, ClinGen allele CA636977.